The following is an entry in ClinVar:

ClinVar aggregate classification (germline): Uncertain significance. Review status: criteria provided, multiple submitters, no conflicts (2 of 4 stars). 2 submissions from 2 submitters: Uncertain significance (2). Last evaluated 2022-05-07.

Conditions:
Alagille syndrome due to a JAG1 point mutation. Also called: HEPATIC DUCTULAR HYPOPLASIA, SYNDROMATIC; Alagille Syndrome 1; JAG1-Related Alagille Syndrome. Identifiers: Orphanet 261619, Orphanet 52, MedGen C1956125, MONDO:0016862, OMIM 118450.
Deafness, congenital heart defects, and posterior embryotoxon (DCHE). Identifiers: MedGen C1866053, MONDO:0060713, OMIM 617992.
Tetralogy of Fallot (TOF). Identifiers: Orphanet 3303, MedGen C0039685, MONDO:0008542, OMIM 187500, HP:0001636.
Charcot-Marie-Tooth disease, axonal, Type 2HH. Also called: CHARCOT-MARIE-TOOTH NEUROPATHY, TYPE 2HH. Identifiers: MedGen C5562003, MONDO:0030458, OMIM 619574.

Submissions (2):

Labcorp Genetics (formerly Invitae), Labcorp
Classification: Uncertain significance for Alagille syndrome due to a JAG1 point mutation. Last evaluated: 2022-05-07. Review status: criteria provided, single submitter. Criteria: Invitae Variant Classification Sherloc (09022015). Collection method: clinical testing. Allele origin: germline.
Comment: In summary, the available evidence is currently insufficient to determine the role of this variant in disease. Therefore, it has been classified as a Variant of Uncertain Significance. Experimental studies and prediction algorithms are not available or were not evaluated, and the functional significance of this variant is currently unknown. ClinVar contains an entry for this variant (Variation ID: 1020832). This variant has not been reported in the literature in individuals affected with JAG1-related conditions. This variant is present in population databases (rs771530161, gnomAD 0.0009%). This variant, c.3287_3295del, results in the deletion of 3 amino acid(s) of the JAG1 protein (p.Arg1096_Lys1098del), but otherwise preserves the integrity of the reading frame.

Fulgent Genetics
Classification: Uncertain significance for Alagille syndrome due to a JAG1 point mutation; Tetralogy of Fallot; Deafness, congenital heart defects, and posterior embryotoxon; Charcot-Marie-Tooth disease, axonal, Type 2HH. Last evaluated: 2022-04-14. Review status: criteria provided, single submitter. Criteria: ACMG Guidelines, 2015. Collection method: clinical testing. Allele origin: unknown.

NM_000214.3(JAG1):c.3287_3295del (p.Arg1096_Lys1098del)

Gene: JAG1 (jagged canonical Notch ligand 1; minus strand). Cytogenetic location: 20p12.2.
Variant type: Deletion.
Coding change: c.3287_3295del on transcript NM_000214.3 (MANE Select); coding-DNA positions 3287 to 3295, 9 bases deleted (GGCGGAAGC; older notation c.3287_3295delGGCGGAAGC).
Protein change: p.Arg1096_Lys1098del.
Molecular consequence: inframe deletion.
Genome position (GRCh38, 1-based): chr20:10,639,860-10,639,868, GCTTCCGCC deleted on the plus strand (GGCGGAAGC on the coding strand, the reverse complement: JAG1 is on the minus strand); deleting any 9 consecutive bases within chr20:10,639,860-10,639,876 gives the same sequence; the c. name uses the placement nearest the transcript's 3' end. VCF-style (leftmost placement, unchanged base first): chr20-10639859-GGCTTCCGCC-G. GRCh37 (hg19) VCF-style: chr20-10620507-GGCTTCCGCC-G.
Identifiers: ClinVar variation 1020832 (VCV001020832.9), dbSNP rs771530161, ClinGen allele CA9764232.